The following is an entry in ClinVar:

ClinVar aggregate classification (germline): Pathogenic. Review status: criteria provided, multiple submitters, no conflicts (2 of 4 stars). 5 submissions from 5 submitters: Pathogenic (3). 2 of the submissions do not count toward it. Last evaluated 2025-04-21.

Conditions:
Thrombophilia, X-linked, due to factor 9 defect. Identifiers: MedGen C2749016, MONDO:0010432, OMIM 300807.
Hereditary factor IX deficiency disease (HEMB). Also called: F9 DEFICIENCY; FACTOR IX DEFICIENCY; Hemophilia B; Christmas Disease; PLASMA THROMBOPLASTIN COMPONENT DEFICIENCY. Identifiers: Orphanet 98879, MedGen C0008533, MeSH D002836, MONDO:0010604, OMIM 306900.

Submissions (5):

Women's Health and Genetics/Laboratory Corporation of America, LabCorp
Classification: Pathogenic for Hereditary factor IX deficiency disease. Last evaluated: 2025-04-21. Review status: criteria provided, single submitter. Criteria: LabCorp Variant Classification Summary - May 2015. Collection method: clinical testing. Allele origin: germline.
Comment: Variant summary: F9 c.484C>T (p.Arg162X) results in a premature termination codon, predicted to cause absence of the protein due to nonsense mediated decay, which is a commonly known mechanism for disease. The variant was absent in 181435 control chromosomes (gnomAD). c.484C>T has been observed in individuals affected with Factor IX Deficiency (Hemophilia B). The following publication has been ascertained in the context of this evaluation (PMID: 35842956). ClinVar contains an entry for this variant (Variation ID: 10640). Based on the evidence outlined above, the variant was classified as pathogenic.

Labcorp Genetics (formerly Invitae), Labcorp
Classification: Pathogenic for Thrombophilia, X-linked, due to factor 9 defect; Hereditary factor IX deficiency disease. Last evaluated: 2023-11-04. Review status: criteria provided, single submitter. Criteria: Invitae Variant Classification Sherloc (09022015). Collection method: clinical testing. Allele origin: germline.
Comment: This sequence change creates a premature translational stop signal (p.Arg162*) in the F9 gene. It is expected to result in an absent or disrupted protein product. Loss-of-function variants in F9 are known to be pathogenic (PMID: 20301668). This variant is not present in population databases (gnomAD no frequency). This premature translational stop signal has been observed in individual(s) with hemophilia B (PMID: 32875744). This variant is also known as 17,761C>T 116R>stop. ClinVar contains an entry for this variant (Variation ID: 10640). Algorithms developed to predict the effect of sequence changes on RNA splicing suggest that this variant may disrupt the consensus splice site. For these reasons, this variant has been classified as Pathogenic.

ARUP Laboratories, Molecular Genetics and Genomics, ARUP Laboratories
Classification: Pathogenic. Last evaluated: 2018-12-11. Review status: criteria provided, single submitter. Criteria: ARUP Molecular Germline Variant Investigation Process. Collection method: clinical testing. Allele origin: germline.
Comment: The F9 c.484C>T; p.Arg162Ter variant (rs137852272), also known as Arg116Ter, has been described in multiple individuals affected with severe hemophilia B (see link to F9 database and references therein, Lin 2018). It contains and entry in ClinVar (Variation ID: 10640) and is absent from general population databases (1000 Genomes Project, Exome Variant Server, and Genome Aggregation Database), indicating it is not a common polymorphism. This variant induces an early termination codon and is predicted to result in a truncated protein or mRNA subject to nonsense-mediated decay. Based on available information, this variant is considered pathogenic. REFERENCES Link to F9 database: Lin X et al. Establishing a comprehensive genetic diagnosis strategy for hemophilia B and its application in Chinese population. Int J Lab Hematol. 2018 Apr;40(2):215-228.

Angelo Bianchi Bonomi Hemophilia and Thrombosis Center, Fondazione IRCCS Ca Granda Ospedale Maggiore Policlinico
Classification: Pathogenic for Hereditary factor IX deficiency disease. Last evaluated: 2019-06-01. Review status: no assertion criteria provided. Collection method: clinical testing. Allele origin: germline. Affected: yes. Observed: 1 variant allele. Not counted in ClinVar's aggregate classification.

OMIM
Classification: Pathogenic for HEMOPHILIA B. Last evaluated: 1990-07-01. Review status: no assertion criteria provided. Collection method: literature only. Allele origin: germline. Not counted in ClinVar's aggregate classification.

Literature cited by the submitters: PubMed 35842956 (cited by Women's Health and Genetics/Laboratory Corporation of America, LabCorp); PubMed 20301668 (cited by Labcorp Genetics (formerly Invitae), Labcorp); PubMed 32875744 (cited by Labcorp Genetics (formerly Invitae), Labcorp); PubMed 2370049 (cited by Angelo Bianchi Bonomi Hemophilia and Thrombosis Center, Fondazione IRCCS Ca Granda Ospedale Maggiore Policlinico and OMIM); PubMed 1897528 (cited by Angelo Bianchi Bonomi Hemophilia and Thrombosis Center, Fondazione IRCCS Ca Granda Ospedale Maggiore Policlinico); PubMed 8470048 (cited by Angelo Bianchi Bonomi Hemophilia and Thrombosis Center, Fondazione IRCCS Ca Granda Ospedale Maggiore Policlinico); PubMed 8091381 (cited by Angelo Bianchi Bonomi Hemophilia and Thrombosis Center, Fondazione IRCCS Ca Granda Ospedale Maggiore Policlinico); PubMed 1357229 (cited by Angelo Bianchi Bonomi Hemophilia and Thrombosis Center, Fondazione IRCCS Ca Granda Ospedale Maggiore Policlinico); PubMed 8772212 (cited by Angelo Bianchi Bonomi Hemophilia and Thrombosis Center, Fondazione IRCCS Ca Granda Ospedale Maggiore Policlinico); PubMed 11328285 (cited by Angelo Bianchi Bonomi Hemophilia and Thrombosis Center, Fondazione IRCCS Ca Granda Ospedale Maggiore Policlinico); PubMed 15921378 (cited by Angelo Bianchi Bonomi Hemophilia and Thrombosis Center, Fondazione IRCCS Ca Granda Ospedale Maggiore Policlinico); PubMed 17397055 (cited by Angelo Bianchi Bonomi Hemophilia and Thrombosis Center, Fondazione IRCCS Ca Granda Ospedale Maggiore Policlinico); PubMed 22544209 (cited by Angelo Bianchi Bonomi Hemophilia and Thrombosis Center, Fondazione IRCCS Ca Granda Ospedale Maggiore Policlinico); PubMed 22103590 (cited by Angelo Bianchi Bonomi Hemophilia and Thrombosis Center, Fondazione IRCCS Ca Granda Ospedale Maggiore Policlinico).

NM_000133.4(F9):c.484C>T (p.Arg162Ter)

Gene: F9 (coagulation factor IX; plus strand). Cytogenetic location: Xq27.1.
Variant type: single nucleotide variant.
Coding change: c.484C>T on transcript NM_000133.4 (MANE Select); coding-DNA position 484, C replaced by T.
Protein change: p.Arg162Ter; replaces arginine 162 with a stop codon.
Molecular consequence: nonsense.
Genome position (GRCh38, 1-based): chrX:139,548,455, C>T. VCF-style: chrX-139548455-C-T. GRCh37 (hg19) VCF-style: chrX-138630614-C-T.
Other names: F9, ARG116TER; R116*; c.370C>T, p.Arg124Ter (NM_001313913.2); short protein forms R162*, R124*.
Identifiers: ClinVar variation 10640 (VCV000010640.17), dbSNP rs137852272, ClinGen allele CA255430.
Genomic context (GRCh38, chrX:139,548,455, plus strand): 5'-GAGCAGTTTTGTAAAAATAGTGCTGATAACAAGGTGGTTTGCTCCTGTACTGAGGGATAT[C>T]GACTTGCAGAAAACCAGAAGTCCTGTGAACCAGCAGGTCATAATCTGAATAAGATTTTTT-3'